The following is an entry in ClinVar:

ClinVar aggregate classification (germline): Uncertain significance (1 of 4 stars; one submission).

gnomAD v4.1: 75 of 1,570,750 alleles (0.0048%); highest among the groups gnomAD compares: Non-Finnish European, 0.0053%; no homozygotes.

Submission:

Women's Health and Genetics/Laboratory Corporation of America, LabCorp
Classification: Uncertain significance. Last evaluated: 2026-04-06. Review status: criteria provided, single submitter. Criteria: LabCorp Variant Classification Summary - May 2015. Collection method: clinical testing. Allele origin: germline.
Comment: Variant summary: ADGRG1 c.1167+6G>A alters a conserved nucleotide located close to a canonical splice site and therefore could affect mRNA splicing, leading to a significantly altered protein sequence. Consensus agreement among computation tools predict no significant impact on normal splicing. However, these predictions have yet to be confirmed by functional studies. The variant allele was found at a frequency of 1.2e-05 in 251452 control chromosomes. The available data on variant occurrences in the general population are insufficient to allow any conclusion about variant significance. To our knowledge, no occurrence of c.1167+6G>A in individuals affected with ADGRG1-related conditions and no experimental evidence demonstrating its impact on protein function have been reported. No submitters have cited clinical-significance assessments for this variant to ClinVar. Based on the evidence outlined above, the variant was classified as uncertain significance.

NM_201525.4(ADGRG1):c.1167+6G>A

Gene: ADGRG1 (adhesion G protein-coupled receptor G1; plus strand). Cytogenetic location: 16q21.
Variant type: single nucleotide variant.
Coding change: c.1167+6G>A on transcript NM_201525.4 (MANE Select); 6 bases into the intron after coding-DNA position 1167, G replaced by A.
Molecular consequence: intron variant.
Genome position (GRCh38, 1-based): chr16:57,656,623, G>A. VCF-style: chr16-57656623-G-A. GRCh37 (hg19) VCF-style: chr16-57690535-G-A.
Other names: c.1167+6G>A (NM_001370440.1, NM_001370428.1, NM_001370436.1 and 14 more transcripts); c.657+6G>A (NM_001290142.2); c.642+6G>A (NM_001370451.1, NM_001290143.2, NM_001370453.1 and 2 more transcripts); c.1164+6G>A (NM_001370434.1, NM_001370441.1); c.1011+6G>A (NM_001370442.1); c.1182+6G>A (NM_001370433.1, NM_001145773.3).
Identifiers: ClinVar variation 4848892 (VCV004848892.1).